The following is an entry in ClinVar:

ClinVar aggregate classification (germline): Uncertain significance (1 of 4 stars; one submission).

Conditions:
Cerebral creatine deficiency syndrome. Also called: Creatine deficiency syndromes. Identifiers: Orphanet 79172, MedGen C5244016, MONDO:0000456.

Submission:

Labcorp Genetics (formerly Invitae), Labcorp
Classification: Uncertain significance for Cerebral creatine deficiency syndrome. Last evaluated: 2022-07-12. Review status: criteria provided, single submitter. Criteria: Invitae Variant Classification Sherloc (09022015). Collection method: clinical testing. Allele origin: germline.
Comment: This sequence change falls in intron 5 of the GAMT gene. It does not directly change the encoded amino acid sequence of the GAMT protein. It affects a nucleotide within the consensus splice site. This variant is not present in population databases (gnomAD no frequency). This variant has not been reported in the literature in individuals affected with GAMT-related conditions. Variants that disrupt the consensus splice site are a relatively common cause of aberrant splicing (PMID: 17576681, 9536098). Algorithms developed to predict the effect of sequence changes on RNA splicing suggest that this variant may create or strengthen a splice site. In summary, the available evidence is currently insufficient to determine the role of this variant in disease. Therefore, it has been classified as a Variant of Uncertain Significance.

Literature cited by the submitters: PubMed 17576681; PubMed 9536098.

NM_000156.6(GAMT):c.571-3C>A

Gene: GAMT (guanidinoacetate N-methyltransferase; minus strand). Cytogenetic location: 19p13.3.
Variant type: single nucleotide variant.
Coding change: c.571-3C>A on transcript NM_000156.6 (MANE Select); 3 bases into the intron before coding-DNA position 571, C replaced by A.
Molecular consequence: intron variant.
Genome position (GRCh38, 1-based): chr19:1,397,502, G>T on the plus strand (C>A on the coding strand, the complement: GAMT is on the minus strand). VCF-style: chr19-1397502-G-T. GRCh37 (hg19) VCF-style: chr19-1397501-G-T.
Identifiers: ClinVar variation 2059721 (VCV002059721.4), dbSNP rs1367661704, ClinGen allele CA2580096048.
Genomic context (GRCh38, chr19:1,397,502, plus strand): 5'-CCGTACGGATGTTCTCCCTCCGGAAGCCGGCCTCCAGCAGCGCGGGCACCTGCGTCTCCT[G>T]GTCGGGGATGGCACCAGGTCACCTCTGAGGGCCATGGGGGTCACGTGCACCCTGGCGCCC-3'